The following is an entry in ClinVar:

NM_016648.4(LARP7):c.1642C>T (p.Arg548Trp)

Gene: LARP7 (La ribonucleoprotein 7, transcriptional regulator; plus strand). Cytogenetic location: 4q25.
Variant type: single nucleotide variant.
Coding change: c.1642C>T on transcript NM_016648.4 (MANE Select); coding-DNA position 1642, C replaced by T.
Protein change: p.Arg548Trp; replaces arginine 548 with tryptophan.
Molecular consequence: missense variant.
Genome position (GRCh38, 1-based): chr4:112,654,133, C>T. VCF-style: chr4-112654133-C-T. GRCh37 (hg19) VCF-style: chr4-113575289-C-T.
Other names: c.1642C>T, p.Arg548Trp (NM_001267039.4, NM_001370978.1, NM_015454.3); c.1681C>T, p.Arg561Trp (NM_001370974.1, NM_001370975.1); c.1678C>T, p.Arg560Trp (NM_001370976.1, NM_001370977.1); c.1639C>T, p.Arg547Trp (NM_001370979.1, NM_001370980.1); c.1405C>T, p.Arg469Trp (NM_001370981.1, NM_001370982.1); short protein forms R548W, R469W, R560W, R547W, R561W.
Identifiers: ClinVar variation 1945897 (VCV001945897.5), dbSNP rs1429060702, ClinGen allele CA357932512.

ClinVar aggregate classification (germline): Uncertain significance (1 of 4 stars; one submission).

Allele frequency attached by ClinVar (database versions not stated): gnomAD exomes below 0.00001; TOPMed below 0.00001.
gnomAD v4.1: 5 of 1,613,616 alleles (0.00031%); highest among the groups gnomAD compares: South Asian, 0.0011%; no homozygotes.

Submission:

Labcorp Genetics (formerly Invitae), Labcorp
Classification: Uncertain significance. Last evaluated: 2022-03-11. Review status: criteria provided, single submitter. Criteria: Invitae Variant Classification Sherloc (09022015). Collection method: clinical testing. Allele origin: germline.
Comment: Algorithms developed to predict the effect of missense changes on protein structure and function are either unavailable or do not agree on the potential impact of this missense change (SIFT: "Deleterious"; PolyPhen-2: "Probably Damaging"; Align-GVGD: "Class C0"). This variant has not been reported in the literature in individuals affected with LARP7-related conditions. This variant is not present in population databases (gnomAD no frequency). This sequence change replaces arginine, which is basic and polar, with tryptophan, which is neutral and slightly polar, at codon 548 of the LARP7 protein (p.Arg548Trp). In summary, the available evidence is currently insufficient to determine the role of this variant in disease. Therefore, it has been classified as a Variant of Uncertain Significance.